The following is an entry in ClinVar:

NM_000443.4(ABCB4):c.2302_2306del (p.Thr768fs)

Gene: ABCB4 (ATP binding cassette subfamily B member 4; minus strand). Cytogenetic location: 7q21.12.
Variant type: Deletion.
Coding change: c.2302_2306del on transcript NM_000443.4 (MANE Select); coding-DNA positions 2302 to 2306, 5 bases deleted (ACTTT; older notation c.2302_2306delACTTT).
Protein change: p.Thr768fs; shifts the reading frame from threonine 768.
Molecular consequence: frameshift variant.
Genome position (GRCh38, 1-based): chr7:87,422,131-87,422,135, AAAGT deleted on the plus strand (ACTTT on the coding strand, the reverse complement: ABCB4 is on the minus strand); deleting any 5 consecutive bases within chr7:87,422,131-87,422,138 gives the same sequence; the c. name uses the placement nearest the transcript's 3' end. VCF-style (leftmost placement, unchanged base first): chr7-87422130-GAAAGT-G. GRCh37 (hg19) VCF-style: chr7-87051446-GAAAGT-G.
Other names: c.2302_2306del, p.Thr768fs (NM_018849.3, NM_018850.3); short protein forms T768fs.
Identifiers: ClinVar variation 4846643 (VCV004846643.1).

ClinVar aggregate classification (germline): Pathogenic (1 of 4 stars; one submission).

Conditions:
Familial intrahepatic cholestasis. Identifiers: Orphanet 284385, MedGen CN296401, MONDO:0017290.
Low phospholipid associated cholelithiasis (GBD1). Also called: Gallbladder disease 1; Gallstone cholecystitis. Identifiers: Orphanet 69663, MedGen C2609268, MONDO:0010939, OMIM 600803.

Submission:

Genomenon, Inc
Classification: Pathogenic for Familial intrahepatic cholestasis; Low phospholipid associated cholelithiasis. Last evaluated: 2026-04-14. Review status: criteria provided, single submitter. Criteria: Genomenon Sequence Variant Interpretation Standards - Updated. Collection method: curation. Allele origin: germline. Affected: yes.
Comment: ABCB4 p.Thr768LeufsTer24 (c.2302_2306del) is a frameshift variant that results in the production of a truncated protein which is predicted to undergo nonsense-mediated mRNA decay. This variant has been observed in at least one proband with an ABCB4-related disorder (PMID:31538484). was found to segregate with disease in at least one affected family (PMID:31538484). It is absent or not present at a significant frequency in gnomAD. In conclusion, we classify ABCB4 p.Thr768LeufsTer24 (c.2302_2306del) as a pathogenic variant.

Literature cited by the submitters: PubMed 31538484.